The following is an entry in ClinVar:

ClinVar aggregate classification (germline): Uncertain significance. Review status: criteria provided, multiple submitters, no conflicts (2 of 4 stars). 2 submissions from 2 submitters: Uncertain significance (2). Last evaluated 2024-11-11.

Conditions:
Autosomal recessive limb-girdle muscular dystrophy type 2J (LGMDR10). Also called: Limb-girdle muscular dystrophy, type 2J; MUSCULAR DYSTROPHY, LIMB-GIRDLE, AUTOSOMAL RECESSIVE 10. Identifiers: Orphanet 140922, MedGen C1837342, MONDO:0012127, OMIM 608807.
Dilated cardiomyopathy 1G (CMD1G). Identifiers: Orphanet 154, MedGen C1858763, MONDO:0011400, OMIM 604145.

Allele frequency attached by ClinVar (database versions not stated): gnomAD exomes below 0.00001; ExAC 0.00001.
gnomAD v4.1: 5 of 1,613,468 alleles (0.00031%); highest among the groups gnomAD compares: Middle Eastern, 0.033%; no homozygotes.

Submissions (2):

GeneDx
Classification: Uncertain significance. Last evaluated: 2024-11-11. Review status: criteria provided, single submitter. Criteria: GeneDx Variant Classification Process June 2021. Collection method: clinical testing. Allele origin: germline. Affected: yes.
Comment: Not observed at significant frequency in large population cohorts (gnomAD); Missense variant in a gene in which most reported pathogenic variants are truncating/loss of function; Has not been previously published as pathogenic or benign to our knowledge

Labcorp Genetics (formerly Invitae), Labcorp
Classification: Uncertain significance for Dilated cardiomyopathy 1G; Autosomal recessive limb-girdle muscular dystrophy type 2J. Last evaluated: 2017-11-21. Review status: criteria provided, single submitter. Criteria: Invitae Variant Classification Sherloc (09022015). Collection method: clinical testing. Allele origin: germline.

NM_001267550.2(TTN):c.43351G>A (p.Asp14451Asn)

Gene: TTN (titin; minus strand). Cytogenetic location: 2q31.2.
Variant type: single nucleotide variant.
Coding change: c.43351G>A on transcript NM_001267550.2 (MANE Select); coding-DNA position 43351, G replaced by A.
Protein change: p.Asp14451Asn; replaces aspartic acid 14451 with asparagine.
Molecular consequence: missense variant.
Genome position (GRCh38, 1-based): chr2:178,632,655, C>T on the plus strand (G>A on the coding strand, the complement: TTN is on the minus strand). VCF-style: chr2-178632655-C-T. GRCh37 (hg19) VCF-style: chr2-179497382-C-T.
Other names: c.43351G>A (NM_001267550.1); c.38428G>A, p.Asp12810Asn (NM_001256850.1); c.16156G>A, p.Asp5386Asn (NM_003319.4); c.35647G>A, p.Asp11883Asn (NM_133378.4); c.16531G>A, p.Asp5511Asn (NM_133432.3); c.16732G>A, p.Asp5578Asn (NM_133437.4); short protein forms D14451N, D12810N, D11883N, D5578N, D5386N, D5511N.
Identifiers: ClinVar variation 535714 (VCV000535714.4), dbSNP rs768931150, ClinGen allele CA1995885.